The following is an entry in ClinVar:

NM_020975.6(RET):c.1644C>G (p.Gly548=)

Gene: RET (ret proto-oncogene; plus strand). Cytogenetic location: 10q11.21.
Variant type: single nucleotide variant.
Coding change: c.1644C>G on transcript NM_020975.6 (MANE Select); coding-DNA position 1644, C replaced by G.
Protein change: p.Gly548=; no amino-acid change (glycine 548 retained).
Molecular consequence: synonymous variant.
Genome position (GRCh38, 1-based): chr10:43,112,220, C>G. VCF-style: chr10-43112220-C-G. GRCh37 (hg19) VCF-style: chr10-43607668-C-G.
Other names: c.1644C>G, p.Gly548= (NM_000323.2, NM_001406743.1, NM_001406744.1 and 6 more transcripts); c.882C>G, p.Gly294= (NM_001355216.2); c.1515C>G, p.Gly505= (NM_001406761.1, NM_001406762.1, NM_001406764.1 and 1 more transcripts); c.1356C>G, p.Gly452= (NM_001406766.1, NM_001406767.1, NM_001406770.1); c.1248C>G, p.Gly416= (NM_001406769.1, NM_001406772.1); c.1206C>G, p.Gly402= (NM_001406771.1, NM_001406773.1); c.1119C>G, p.Gly373= (NM_001406774.1); c.918C>G, p.Gly306= (NM_001406775.1, NM_001406776.1, NM_001406777.1 and 1 more transcripts); and 5 more.
Identifiers: ClinVar variation 1777104 (VCV001777104.9), dbSNP rs1564494968, ClinGen allele CA469027678.

ClinVar aggregate classification (germline): Benign/Likely benign. Review status: criteria provided, multiple submitters, no conflicts (2 of 4 stars). 4 submissions from 4 submitters: Benign (1); Likely benign (3). Last evaluated 2025-02-25.

Conditions:
Hereditary cancer-predisposing syndrome. Also called: Neoplastic Syndromes, Hereditary; Tumor predisposition; Hereditary Cancer Syndrome; Hereditary neoplastic syndrome. Identifiers: Orphanet 140162, MedGen C0027672, MeSH D009386, MONDO:0015356.
Multiple endocrine neoplasia, type 2 (MEN2). Identifiers: Orphanet 653, MedGen C4048306, MONDO:0019003. Disease mechanism: gain of function.
Multiple endocrine neoplasia type 2A. Also called: MULTIPLE ENDOCRINE NEOPLASIA, TYPE IIA; PTC SYNDROME; SIPPLE SYNDROME; MEN 2A; MEN-2A syndrome; Pheochromocytoma and amyloid producing medullary thyroid carcinoma. Identifiers: Orphanet 247698, Orphanet 653, MedGen C0025268, MeSH D018813, MONDO:0008234, OMIM 171400.

Allele frequency attached by ClinVar (database versions not stated): gnomAD exomes below 0.00001.
gnomAD v4.1: 1 of 1,553,630 alleles (0.000064%); highest among the groups gnomAD compares: Non-Finnish European, 0.000087%; no homozygotes.

Submissions (4):

Myriad Genetics, Inc.
Classification: Benign for Multiple endocrine neoplasia type 2A. Last evaluated: 2025-02-25. Review status: criteria provided, single submitter. Criteria: Myriad Autosomal Dominant, Autosomal Recessive and X-Linked Classification Criteria (2023). Collection method: clinical testing. Allele origin: unknown.
Comment: This variant is considered benign. This variant is a silent/synonymous amino acid change and it is not expected to impact splicing.

All of Us Research Program, National Institutes of Health
Classification: Likely benign for Multiple endocrine neoplasia, type 2. Last evaluated: 2023-03-09. Review status: criteria provided, single submitter. Criteria: ACMG Guidelines, 2015. Collection method: clinical testing. Allele origin: germline. Inheritance: Autosomal dominant inheritance. Observed: 1 variant allele, 1 heterozygote.
Comment: This study involves interpretation of variants in research participants for the purpose of population health screening. Participant phenotype was not available at the time of variant classification. Additional details can be found in publication PMID: 35346344, PMCID: PMC8962531

Labcorp Genetics (formerly Invitae), Labcorp
Classification: Likely benign for Multiple endocrine neoplasia, type 2. Last evaluated: 2022-06-07. Review status: criteria provided, single submitter. Criteria: Invitae Variant Classification Sherloc (09022015). Collection method: clinical testing. Allele origin: germline.

Ambry Genetics
Classification: Likely benign for Hereditary cancer-predisposing syndrome. Last evaluated: 2020-01-24. Review status: criteria provided, single submitter. Criteria: Ambry Variant Classification Scheme 2023. Collection method: clinical testing. Allele origin: germline.